The following is an entry in ClinVar:

ClinVar aggregate classification (germline): Likely benign. Review status: criteria provided, multiple submitters, no conflicts (2 of 4 stars). 2 submissions from 2 submitters: Likely benign (2). Last evaluated 2024-07-29.

Conditions:
Familial cancer of breast. Also called: hereditary breast carcinoma; Hereditary breast cancer; BREAST CANCER, FAMILIAL. Identifiers: Orphanet 227535, MedGen C0346153, MONDO:0016419, OMIM 114480. Disease mechanism: loss of function.

Submissions (2):

Myriad Genetics, Inc.
Classification: Likely benign for Familial cancer of breast. Last evaluated: 2024-07-29. Review status: criteria provided, single submitter. Criteria: Myriad Autosomal Dominant, Autosomal Recessive and X-Linked Classification Criteria (2023). Collection method: clinical testing. Allele origin: unknown.
Comment: This variant is considered likely benign. This variant is intronic and is not expected to impact mRNA splicing.

Labcorp Genetics (formerly Invitae), Labcorp
Classification: Likely benign for Familial cancer of breast. Last evaluated: 2024-06-04. Review status: criteria provided, single submitter. Criteria: Invitae Variant Classification Sherloc (09022015). Collection method: clinical testing. Allele origin: germline.

NM_000465.4(BARD1):c.1904-11G>C

Gene: BARD1 (BRCA1 associated RING domain 1; minus strand). Cytogenetic location: 2q35.
Variant type: single nucleotide variant.
Coding change: c.1904-11G>C on transcript NM_000465.4 (MANE Select); 11 bases into the intron before coding-DNA position 1904, G replaced by C.
Molecular consequence: intron variant.
Genome position (GRCh38, 1-based): chr2:214,730,519, C>G on the plus strand (G>C on the coding strand, the complement: BARD1 is on the minus strand). VCF-style: chr2-214730519-C-G. GRCh37 (hg19) VCF-style: chr2-215595243-C-G.
Other names: c.494-11G>C (NM_001282548.2); c.1847-11G>C (NM_001282543.2); c.551-11G>C (NM_001282545.2); c.365-11G>C (NM_001282549.2).
Identifiers: ClinVar variation 3379132 (VCV003379132.3).